The following is an entry in ClinVar:

NM_004168.4(SDHA):c.43C>T (p.Arg15Cys)

Gene: SDHA (succinate dehydrogenase complex flavoprotein subunit A; plus strand). Cytogenetic location: 5p15.33.
Variant type: single nucleotide variant.
Coding change: c.43C>T on transcript NM_004168.4 (MANE Select); coding-DNA position 43, C replaced by T.
Protein change: p.Arg15Cys; replaces arginine 15 with cysteine.
Molecular consequence: missense variant.
Genome position (GRCh38, 1-based): chr5:218,398, C>T. VCF-style: chr5-218398-C-T. GRCh37 (hg19) VCF-style: chr5-218513-C-T.
Other names: c.43C>T, p.Arg15Cys (NM_001294332.2, NM_001330758.2); short protein forms R15C.
Identifiers: ClinVar variation 1740311 (VCV001740311.3), dbSNP rs2126522654, ClinGen allele CA359007373.

ClinVar aggregate classification (germline): Uncertain significance (1 of 4 stars; one submission).

Conditions:
Hereditary cancer-predisposing syndrome. Also called: Hereditary Cancer Syndrome; Hereditary neoplastic syndrome; Neoplastic Syndromes, Hereditary; Tumor predisposition. Identifiers: Orphanet 140162, MedGen C0027672, MeSH D009386, MONDO:0015356.

Submission:

Ambry Genetics
Classification: Uncertain significance for Hereditary cancer-predisposing syndrome. Last evaluated: 2025-05-02. Review status: criteria provided, single submitter. Criteria: Ambry Variant Classification Scheme 2023. Collection method: clinical testing. Allele origin: germline.
Comment: The p.R15C variant (also known as c.43C>T), located in coding exon 1 of the SDHA gene, results from a C to T substitution at nucleotide position 43. The arginine at codon 15 is replaced by cysteine, an amino acid with highly dissimilar properties. This amino acid position is well conserved in available vertebrate species. In addition, this alteration is predicted to be tolerated by in silico analysis. Based on the available evidence, the clinical significance of this variant remains unclear.